The following is an entry in ClinVar:

NM_001376.5(DYNC1H1):c.2073G>A (p.Met691Ile)

Gene: DYNC1H1 (dynein cytoplasmic 1 heavy chain 1; plus strand). Cytogenetic location: 14q32.31.
Variant type: single nucleotide variant.
Coding change: c.2073G>A on transcript NM_001376.5 (MANE Select); coding-DNA position 2073, G replaced by A.
Protein change: p.Met691Ile; replaces methionine 691 with isoleucine.
Molecular consequence: missense variant.
Genome position (GRCh38, 1-based): chr14:101,986,298, G>A. VCF-style: chr14-101986298-G-A. GRCh37 (hg19) VCF-style: chr14-102452635-G-A.
Other names: short protein forms M691I.
Identifiers: ClinVar variation 3047376 (VCV003047376.3), dbSNP rs1595601032, ClinGen allele CA391020647.

ClinVar aggregate classification (germline): Uncertain significance. Review status: criteria provided, single submitter (1 of 4 stars). 2 submissions from 2 submitters: Uncertain significance (1). 1 of the submissions does not count toward it. Last evaluated 2026-08-06.

Conditions:
Autosomal dominant childhood-onset proximal spinal muscular atrophy without contractures. Also called: Spinal muscular atrophy, lower extremity-predominant 1, AD; SPINAL MUSCULAR ATROPHY, CHILDHOOD, PROXIMAL, AUTOSOMAL DOMINANT; KUGELBERG-WELANDER SYNDROME, AUTOSOMAL DOMINANT; SPINAL MUSCULAR ATROPHY, JUVENILE, PROXIMAL, AUTOSOMAL DOMINANT. Identifiers: Orphanet 209341, Orphanet 363447, MedGen C5780022, MONDO:0008026, OMIM 158600.
DYNC1H1-related disorder. Also called: DYNC1H1-related condition; DYNC1H1-related disorders. Identifiers: MedGen CN381529.

Allele frequency attached by ClinVar (database versions not stated): TOPMed below 0.00001.

Submissions (2):

OLLIN Analises Genomicas, OLLIN
Classification: Uncertain significance for Autosomal dominant childhood-onset proximal spinal muscular atrophy without contractures. Last evaluated: 2026-08-06. Review status: criteria provided, single submitter. Criteria: ACMG Guidelines 2015 PMID 25741868. Collection method: clinical testing. Allele origin: germline. Inheritance: Autosomal dominant inheritance.
Comment: This missense variant, located in exon 8 (of 78), is absent from gnomAD and has not been identified in the literature. However, it has been reported in ClinVar (accession VCV003047376.2). In silico analysis predicts that this variant has a tolerated effect. This gene is constrained for missense variation. According to the currently available evidence, this variant has been classified as uncertain significance (PM2_P, PP2, BP4_M).

PreventionGenetics, part of Exact Sciences
Classification: Uncertain significance for DYNC1H1-related condition. Last evaluated: 2023-10-23. Review status: no assertion criteria provided. Collection method: clinical testing. Allele origin: germline. Not counted in ClinVar's aggregate classification.
Comment: The DYNC1H1 c.2073G>A variant is predicted to result in the amino acid substitution p.Met691Ile. To our knowledge, this variant has not been reported in the literature or in a large population database, indicating this variant is rare. At this time, the clinical significance of this variant is uncertain due to the absence of conclusive functional and genetic evidence.